The following is an entry in ClinVar:

ClinVar aggregate classification (germline): Uncertain significance (1 of 4 stars; one submission).

Conditions:
Primary ciliary dyskinesia. Also called: Ciliary dyskinesia. Identifiers: Orphanet 244, MedGen C0008780, MONDO:0016575, HP:0012265.

Submission:

Labcorp Genetics (formerly Invitae), Labcorp
Classification: Uncertain significance for Primary ciliary dyskinesia. Last evaluated: 2023-11-18. Review status: criteria provided, single submitter. Criteria: Invitae Variant Classification Sherloc (09022015). Collection method: clinical testing. Allele origin: germline.
Comment: This sequence change replaces serine, which is neutral and polar, with threonine, which is neutral and polar, at codon 665 of the CCDC114 protein (p.Ser665Thr). This variant is not present in population databases (gnomAD no frequency). This variant has not been reported in the literature in individuals affected with CCDC114-related conditions. An algorithm developed to predict the effect of missense changes on protein structure and function (PolyPhen-2) suggests that this variant is likely to be disruptive. In summary, the available evidence is currently insufficient to determine the role of this variant in disease. Therefore, it has been classified as a Variant of Uncertain Significance.

NM_001364171.2(ODAD1):c.2105G>C (p.Ser702Thr)

Gene: ODAD1 (outer dynein arm docking complex subunit 1; minus strand). Cytogenetic location: 19q13.33.
Variant type: single nucleotide variant.
Coding change: c.2105G>C on transcript NM_001364171.2 (MANE Select); coding-DNA position 2105, G replaced by C.
Protein change: p.Ser702Thr; replaces serine 702 with threonine.
Molecular consequence: missense variant.
Genome position (GRCh38, 1-based): chr19:48,296,995, C>G on the plus strand (G>C on the coding strand, the complement: ODAD1 is on the minus strand). VCF-style: chr19-48296995-C-G. GRCh37 (hg19) VCF-style: chr19-48800252-C-G.
Other names: c.1994G>C, p.Ser665Thr (NM_144577.4); short protein forms S665T, S702T.
Identifiers: ClinVar variation 2733804 (VCV002733804.3), dbSNP rs2515923319, ClinGen allele CA406650774.
Genomic context (GRCh38, chr19:48,296,995, plus strand): 5'-ACAGAGAGCCAGGGCAGGGTGGGGGCTGCGTGCCCCTCGTGTTAGCCCCGGGAGTCTTTG[C>G]TGGTGGAGGAGCCCGGGCCAGTGCTGGAGGCAGGGCCGGTGCTGGAGACGTGGTCTCTGC-3'
Protein context (NP_001351100.1, residues 692-707): ASSTGPGSST[Ser702Thr]KDSRG